The following is an entry in ClinVar:

NC_000016.10:g.13920137G>A

Genes: ERCC4 (ERCC excision repair 4, endonuclease catalytic subunit; plus strand), LOC130058543 (ATAC-STARR-seq lymphoblastoid active region 10486; plus strand). Cytogenetic location: 16p13.12.
Variant type: single nucleotide variant.
Genome position: GRCh38 VCF-style: chr16-13920137-G-A. GRCh37 (hg19) VCF-style: chr16-14013994-G-A.
Identifiers: ClinVar variation 3389687 (VCV003389687.14).
Genomic context (GRCh38, chr16:13,920,137, plus strand): 5'-ACTCGGCTCTCTTCGGTTGAGTTCGGCCTACTCTCCACTAGGAGTCGGCTTCCTTCGGCT[G>A]CGTTCGGCTGCGACCCGGAAGAGCTTCCATGGAGTCAGGGCAGCCGGCTCGACGGATTGC-3'

ClinVar aggregate classification (germline): Uncertain significance (1 of 4 stars; one submission).

Submission:

CeGaT Center for Human Genetics Tuebingen
Classification: Uncertain significance. Last evaluated: 2024-09-01. Review status: criteria provided, single submitter. Criteria: CeGaT Center For Human Genetics Tuebingen Variant Classification Criteria Version 2. Collection method: clinical testing. Allele origin: germline. Affected: yes. Observed: 1 variant allele.
Comment: ERCC4: PM2